The following is an entry in ClinVar:

NM_007294.4(BRCA1):c.107C>T (p.Ser36Phe)

Gene: BRCA1 (BRCA1 DNA repair associated; minus strand). Cytogenetic location: 17q21.31.
Variant type: single nucleotide variant.
Coding change: c.107C>T on transcript NM_007294.4 (MANE Select); coding-DNA position 107, C replaced by T.
Protein change: p.Ser36Phe; replaces serine 36 with phenylalanine.
Molecular consequence: missense variant. On other transcripts: 5 prime UTR variant (132), intron variant (41).
Genome position (GRCh38, 1-based): chr17:43,115,753, G>A on the plus strand (C>T on the coding strand, the complement: BRCA1 is on the minus strand). VCF-style: chr17-43115753-G-A. GRCh37 (hg19) VCF-style: chr17-41267770-G-A.
Other names: c.107C>T, p.Ser36Phe (NM_001407971.1, NM_001407972.1, NM_001407973.1 and 191 more transcripts); c.-82C>T (NM_001407571.1, NM_001407853.1, NM_001407879.1 and 52 more transcripts); c.-151C>T (NM_001407694.1, NM_001407696.1, NM_001407724.1 and 13 more transcripts); c.-155C>T (NM_001407695.1, NM_001408465.1); c.-35C>T (NM_001407697.1, NM_001407725.1, NM_001407728.1 and 47 more transcripts); c.-31C>T (NM_001407841.1); c.-198C>T (NM_001407889.1, NM_001407900.1, NM_001408492.1); c.-197C>T (NM_001407960.1, NM_001407962.1, NM_001408510.1 and 1 more transcripts); and 10 more; short protein forms S36F.
Identifiers: ClinVar variation 3634712 (VCV003634712.2).

ClinVar aggregate classification (germline): Uncertain significance (1 of 4 stars; one submission).

Conditions:
Hereditary breast ovarian cancer syndrome. Also called: Hereditary breast and ovarian cancer syndrome; Hereditary breast and ovarian cancer syndrome (HBOC); BRCA1- and BRCA2-Associated Hereditary Breast and Ovarian Cancer; Hereditary breast and ovarian cancer; Breast and ovarian cancer; Hereditary breast and/or ovarian cancer syndrome. Identifiers: Orphanet 145, MedGen C0677776, MeSH D061325, MONDO:0003582. Disease mechanism: loss of function.

Submission:

Labcorp Genetics (formerly Invitae), Labcorp
Classification: Uncertain significance for Hereditary breast ovarian cancer syndrome. Last evaluated: 2024-08-11. Review status: criteria provided, single submitter. Criteria: Invitae Variant Classification Sherloc (09022015). Collection method: clinical testing. Allele origin: germline.
Comment: This sequence change replaces serine, which is neutral and polar, with phenylalanine, which is neutral and non-polar, at codon 36 of the BRCA1 protein (p.Ser36Phe). This variant is not present in population databases (gnomAD no frequency). This variant has not been reported in the literature in individuals affected with BRCA1-related conditions. Advanced modeling of protein sequence and biophysical properties (such as structural, functional, and spatial information, amino acid conservation, physicochemical variation, residue mobility, and thermodynamic stability) has been performed at Invitae for this missense variant, however the output from this modeling did not meet the statistical confidence thresholds required to predict the impact of this variant on BRCA1 protein function. In summary, the available evidence is currently insufficient to determine the role of this variant in disease. Therefore, it has been classified as a Variant of Uncertain Significance.